The following is an entry in ClinVar:

ClinVar aggregate classification (germline): Uncertain significance. Review status: criteria provided, multiple submitters, no conflicts (2 of 4 stars). 2 submissions from 2 submitters: Uncertain significance (2). Last evaluated 2024-08-22.

Allele frequency attached by ClinVar (database versions not stated): gnomAD exomes below 0.00001; TOPMed 0.00001.
gnomAD v4.1: 4 of 1,609,258 alleles (0.00025%); highest among the groups gnomAD compares: Middle Eastern, 0.017%; no homozygotes.

Submissions (2):

Blueprint Genetics
Classification: Uncertain significance. Last evaluated: 2024-08-22. Review status: criteria provided, single submitter. Criteria: ACMG Guidelines, 2015. Collection method: clinical testing. Allele origin: germline.

Labcorp Genetics (formerly Invitae), Labcorp
Classification: Uncertain significance. Last evaluated: 2021-01-18. Review status: criteria provided, single submitter. Criteria: Invitae Variant Classification Sherloc (09022015). Collection method: clinical testing. Allele origin: germline.
Comment: In summary, the available evidence is currently insufficient to determine the role of this variant in disease. Therefore, it has been classified as a Variant of Uncertain Significance. This sequence change replaces proline with serine at codon 1055 of the PTPN23 protein (p.Pro1055Ser). The proline residue is weakly conserved and there is a moderate physicochemical difference between proline and serine. This variant is not present in population databases (ExAC no frequency). This variant has not been reported in the literature in individuals with PTPN23-related conditions. Algorithms developed to predict the effect of missense changes on protein structure and function are either unavailable or do not agree on the potential impact of this missense change (SIFT: "Tolerated"; PolyPhen-2: "Possibly Damaging"; Align-GVGD: "Class C0").

NM_015466.4(PTPN23):c.3163C>T (p.Pro1055Ser)

Gene: PTPN23 (protein tyrosine phosphatase non-receptor type 23; plus strand). Cytogenetic location: 3p21.31.
Variant type: single nucleotide variant.
Coding change: c.3163C>T on transcript NM_015466.4 (MANE Select); coding-DNA position 3163, C replaced by T.
Protein change: p.Pro1055Ser; replaces proline 1055 with serine.
Molecular consequence: missense variant.
Genome position (GRCh38, 1-based): chr3:47,410,961, C>T. VCF-style: chr3-47410961-C-T. GRCh37 (hg19) VCF-style: chr3-47452451-C-T.
Other names: c.2785C>T, p.Pro929Ser (NM_001304482.2); short protein forms P1055S, P929S.
Identifiers: ClinVar variation 1491440 (VCV001491440.9), dbSNP rs1018433590, ClinGen allele CA73881579.
Genomic context (GRCh38, chr3:47,410,961, plus strand): 5'-CCTTTCCCCAGCCCTGGGCCCCCTCAGCCTCCCCATCCCCCACTGGCATATGGTCCTGCC[C>T]CTTCTACCAGACCCATGGGCCCCCAGGCAGCCCCTCTTACCATTCGAGGGCCCTCGTCTG-3'
Protein context (NP_056281.1, residues 1045-1065): PHPPLAYGPA[Pro1055Ser]STRPMGPQAA